The following is an entry in ClinVar:

ClinVar aggregate classification (germline): Uncertain significance. Review status: criteria provided, multiple submitters, no conflicts (2 of 4 stars). 3 submissions from 3 submitters: Uncertain significance (3). Last evaluated 2025-12-07.

Conditions:
Inborn genetic diseases. Identifiers: MedGen C0950123, MeSH D030342.
Fanconi anemia (FA). Also called: Fanconi's anemia. Identifiers: Orphanet 84, MedGen C0015625, MeSH D005199, MONDO:0019391.

Allele frequency attached by ClinVar (database versions not stated): gnomAD exomes below 0.00001; TOPMed below 0.00001.
gnomAD v4.1: 2 of 1,611,342 alleles (0.00012%); highest among the groups gnomAD compares: East Asian, 0.0022%; no homozygotes.

Submissions (3):

Ambry Genetics
Classification: Uncertain significance for Inborn genetic diseases. Last evaluated: 2025-12-07. Review status: criteria provided, single submitter. Criteria: Ambry Variant Classification Scheme 2023. Collection method: clinical testing. Allele origin: germline.
Comment: The p.P626S variant (also known as c.1876C>T), located in coding exon 11 of the FANCM gene, results from a C to T substitution at nucleotide position 1876. The proline at codon 626 is replaced by serine, an amino acid with similar properties. This amino acid position is conserved. In addition, the in silico prediction for this alteration is inconclusive. Based on the available evidence, the clinical significance of this variant remains unclear.

Labcorp Genetics (formerly Invitae), Labcorp
Classification: Uncertain significance for Fanconi anemia. Last evaluated: 2025-01-15. Review status: criteria provided, single submitter. Criteria: Invitae Variant Classification Sherloc (09022015). Collection method: clinical testing. Allele origin: germline.
Comment: This sequence change replaces proline, which is neutral and non-polar, with serine, which is neutral and polar, at codon 626 of the FANCM protein (p.Pro626Ser). This variant is present in population databases (no rsID available, gnomAD 0.006%). This variant has not been reported in the literature in individuals affected with FANCM-related conditions. ClinVar contains an entry for this variant (Variation ID: 1014773). An algorithm developed to predict the effect of missense changes on protein structure and function (PolyPhen-2) suggests that this variant is likely to be disruptive. In summary, the available evidence is currently insufficient to determine the role of this variant in disease. Therefore, it has been classified as a Variant of Uncertain Significance.

GeneDx
Classification: Uncertain significance. Last evaluated: 2022-08-01. Review status: criteria provided, single submitter. Criteria: GeneDx Variant Classification Process June 2021. Collection method: clinical testing. Allele origin: germline. Affected: yes.
Comment: Not observed at significant frequency in large population cohorts (gnomAD); In silico analysis supports that this missense variant has a deleterious effect on protein structure/function; Has not been previously published as pathogenic or benign to our knowledge

NM_020937.4(FANCM):c.1876C>T (p.Pro626Ser)

Gene: FANCM (FA complementation group M; plus strand). Cytogenetic location: 14q21.2.
Variant type: single nucleotide variant.
Coding change: c.1876C>T on transcript NM_020937.4 (MANE Select); coding-DNA position 1876, C replaced by T.
Protein change: p.Pro626Ser; replaces proline 626 with serine.
Molecular consequence: missense variant.
Genome position (GRCh38, 1-based): chr14:45,167,037, C>T. VCF-style: chr14-45167037-C-T. GRCh37 (hg19) VCF-style: chr14-45636240-C-T.
Other names: c.1798C>T, p.Pro600Ser (NM_001308133.2); c.1876C>T, p.Pro626Ser (NM_001308134.2); c.1876C>T (NM_020937.2); short protein forms P600S, P626S.
Identifiers: ClinVar variation 1014773 (VCV001014773.12), dbSNP rs1462865463, ClinGen allele CA389594967.
Genomic context (GRCh38, chr14:45,167,037, plus strand): 5'-AGAAGTATATATAAAGCTATTTCAAGTAACAGGCAGGTCCTTCATTTTTACCAAAGAAGT[C>T]CACGAATGGTTCCTGATGGAATCAACCCAAAATTACACAAAATGTTCATCACACATGGTG-3'
Protein context (NP_065988.1, residues 616-636): RQVLHFYQRS[Pro626Ser]RMVPDGINPK